The following is an entry in ClinVar:

NM_021098.3(CACNA1H):c.4789C>G (p.Arg1597Gly)

Gene: CACNA1H (calcium voltage-gated channel subunit alpha1 H; plus strand). Cytogenetic location: 16p13.3.
Variant type: single nucleotide variant.
Coding change: c.4789C>G on transcript NM_021098.3 (MANE Select); coding-DNA position 4789, C replaced by G.
Protein change: p.Arg1597Gly; replaces arginine 1597 with glycine.
Molecular consequence: missense variant.
Genome position (GRCh38, 1-based): chr16:1,213,791, C>G. VCF-style: chr16-1213791-C-G. GRCh37 (hg19) VCF-style: chr16-1263791-C-G.
Other names: c.4771C>G, p.Arg1591Gly (NM_001005407.2); short protein forms R1591G, R1597G.
Identifiers: ClinVar variation 1810608 (VCV001810608.3), dbSNP rs747598216, ClinGen allele CA394145122.

ClinVar aggregate classification (germline): Uncertain significance. Review status: criteria provided, multiple submitters, no conflicts (2 of 4 stars). 2 submissions from 2 submitters: Uncertain significance (2). Last evaluated 2025-07-10.

Conditions:
Inborn genetic diseases. Identifiers: MedGen C0950123, MeSH D030342.

Submissions (2):

GeneDx
Classification: Uncertain significance. Last evaluated: 2025-07-10. Review status: criteria provided, single submitter. Criteria: GeneDx Variant Classification Process June 2021. Collection method: clinical testing. Allele origin: germline.
Comment: Not observed at significant frequency in large population cohorts (gnomAD); In silico analysis supports that this missense variant has a deleterious effect on protein structure/function; Has not been previously published as pathogenic or benign to our knowledge

Ambry Genetics
Classification: Uncertain significance for Inborn genetic diseases. Last evaluated: 2024-10-22. Review status: criteria provided, single submitter. Criteria: Ambry Variant Classification Scheme 2023. Collection method: clinical testing. Allele origin: germline.